The following is an entry in ClinVar:

NM_001283009.2(RTEL1):c.3043C>T (p.Gln1015Ter)

Genes: RTEL1 (regulator of telomere elongation helicase 1; plus strand), RTEL1-TNFRSF6B (RTEL1-TNFRSF6B readthrough (NMD candidate); plus strand). Cytogenetic location: 20q13.33.
Variant type: single nucleotide variant.
Coding change: c.3043C>T on transcript NM_001283009.2 (MANE Select); coding-DNA position 3043, C replaced by T.
Protein change: p.Gln1015Ter; replaces glutamine 1015 with a stop codon.
Molecular consequence: nonsense. On other transcripts: non-coding transcript variant (1).
Genome position (GRCh38, 1-based): chr20:63,694,422, C>T. VCF-style: chr20-63694422-C-T. GRCh37 (hg19) VCF-style: chr20-62325775-C-T.
Other names: c.2374C>T, p.Gln792Ter (NM_001283010.1); c.3043C>T, p.Gln1015Ter (NM_016434.4); c.3115C>T, p.Gln1039Ter (NM_032957.5); short protein forms Q1015*, Q1039*, Q792*.
Identifiers: ClinVar variation 1070371 (VCV001070371.7), dbSNP rs777109448, ClinGen allele CA409684489.

ClinVar aggregate classification (germline): Pathogenic (1 of 4 stars; one submission).

Conditions:
Dyskeratosis congenita, autosomal recessive 5 (DKCB5). Identifiers: MedGen C3554656, MONDO:0014076, OMIM 615190.
Pulmonary fibrosis and/or bone marrow failure, Telomere-related, 3. Also called: PULMONARY FIBROSIS AND/OR BONE MARROW FAILURE SYNDROME, TELOMERE-RELATED, 3. Identifiers: Orphanet 2032, MedGen C4225346, MONDO:0014613, OMIM 616373.

Submission:

Labcorp Genetics (formerly Invitae), Labcorp
Classification: Pathogenic for Dyskeratosis congenita, autosomal recessive 5; Pulmonary fibrosis and/or bone marrow failure, Telomere-related, 3. Last evaluated: 2020-09-03. Review status: criteria provided, single submitter. Criteria: Invitae Variant Classification Sherloc (09022015). Collection method: clinical testing. Allele origin: germline.
Comment: For these reasons, this variant has been classified as Pathogenic. Loss-of-function variants in RTEL1 are known to be pathogenic (PMID: 23453664, 23959892, 25607374). This variant has not been reported in the literature in individuals with RTEL1-related conditions. This variant is not present in population databases (ExAC no frequency). This sequence change creates a premature translational stop signal (p.Gln1015*) in the RTEL1 gene. It is expected to result in an absent or disrupted protein product.

Literature cited by the submitters: PubMed 23453664; PubMed 23959892; PubMed 25607374.